The following is an entry in ClinVar:

NM_001130965.3(SUN1):c.451+4A>G

Gene: SUN1 (Sad1 and UNC84 domain containing 1; plus strand). Cytogenetic location: 7p22.3.
Variant type: single nucleotide variant.
Coding change: c.451+4A>G on transcript NM_001130965.3 (MANE Select); 4 bases into the intron after coding-DNA position 451, A replaced by G.
Molecular consequence: intron variant.
Genome position (GRCh38, 1-based): chr7:842,134, A>G. VCF-style: chr7-842134-A-G. GRCh37 (hg19) VCF-style: chr7-881771-A-G.
Other names: c.301+4A>G (NM_001367636.1, NM_001367673.1, NM_001367706.1 and 24 more transcripts); c.-311+4A>G (NM_001367658.1); c.-117+4A>G (NM_001367639.1, NM_001367708.1); c.451+4A>G (NM_001367687.1, NM_001171946.2, NM_001367634.1 and 34 more transcripts); c.514+4A>G (NM_001171945.2); c.670+4A>G (NM_001367651.1); c.-7+4A>G (NM_001367635.1); c.262+4A>G (NM_001367695.1).
Identifiers: ClinVar variation 3671873 (VCV003671873.2).
Genomic context (GRCh38, chr7:842,134, plus strand): 5'-CTCCTGTATTGGACGAGTCTTGGATTCGTGAACAGACCACAGTGGACCACTTCTGGGGTG[A>G]GTCCCTGCGAGACACAGATTGTCCCGCCTACAGTTGGGGTGTTTCTCAGATTATGCTGGG-3'

ClinVar aggregate classification (germline): Uncertain significance (1 of 4 stars; one submission).

Conditions:
Emery-Dreifuss muscular dystrophy (EDMD). Also called: Scapuloperoneal syndrome, X-linked (formerly); Humeroperoneal neuromuscular disease, (formerly). Identifiers: Orphanet 261, MedGen C0410189, MONDO:0016830.

gnomAD v4.1: 5 of 1,607,590 alleles (0.00031%); highest among the groups gnomAD compares: East Asian, 0.0089%; no homozygotes.

Submission:

Labcorp Genetics (formerly Invitae), Labcorp
Classification: Uncertain significance for Emery-Dreifuss muscular dystrophy. Last evaluated: 2024-06-04. Review status: criteria provided, single submitter. Criteria: Invitae Variant Classification Sherloc (09022015). Collection method: clinical testing. Allele origin: germline.
Comment: This sequence change falls in intron 3 of the SUN1 gene. It does not directly change the encoded amino acid sequence of the SUN1 protein. It affects a nucleotide within the consensus splice site. This variant is present in population databases (rs758085551, gnomAD 0.03%). This variant has not been reported in the literature in individuals affected with SUN1-related conditions. Variants that disrupt the consensus splice site are a relatively common cause of aberrant splicing (PMID: 17576681, 9536098). Algorithms developed to predict the effect of sequence changes on RNA splicing suggest that this variant is not likely to affect RNA splicing. In summary, the available evidence is currently insufficient to determine the role of this variant in disease. Therefore, it has been classified as a Variant of Uncertain Significance.

Literature cited by the submitters: PubMed 17576681; PubMed 9536098.